The following is an entry in ClinVar:

ClinVar aggregate classification (germline): Pathogenic (1 of 4 stars; one submission).

Conditions:
Cowden syndrome 7 (CWS7). Identifiers: Orphanet 201, MedGen C4225179, MONDO:0014802, OMIM 616858.
Congenital dyserythropoietic anemia, type II (CDAN2). Also called: DYSERYTHROPOIETIC ANEMIA, HEMPAS TYPE. Identifiers: Orphanet 98873, MedGen C1306589, MONDO:0009134, OMIM 224100.

Submission:

Labcorp Genetics (formerly Invitae), Labcorp
Classification: Pathogenic for Congenital dyserythropoietic anemia, type II; Cowden syndrome 7. Last evaluated: 2024-02-25. Review status: criteria provided, single submitter. Criteria: Invitae Variant Classification Sherloc (09022015). Collection method: clinical testing. Allele origin: germline.
Comment: This sequence change creates a premature translational stop signal (p.Arg513Glyfs*15) in the SEC23B gene. It is expected to result in an absent or disrupted protein product. Loss-of-function variants in SEC23B are known to be pathogenic (PMID: 19561605, 25044164). This variant is not present in population databases (gnomAD no frequency). This variant has not been reported in the literature in individuals affected with SEC23B-related conditions. For these reasons, this variant has been classified as Pathogenic.

Literature cited by the submitters: PubMed 19561605; PubMed 25044164.

NM_006363.6(SEC23B):c.1515_1536dup (p.Arg513fs)

Gene: SEC23B (SEC23 homolog B, COPII component; plus strand). Cytogenetic location: 20p11.23.
Variant type: Duplication.
Coding change: c.1515_1536dup on transcript NM_006363.6 (MANE Select); coding-DNA positions 1515 to 1536, 22 bases duplicated (GGCAGATGTACAGAGTCAGCTC).
Protein change: p.Arg513fs; shifts the reading frame from arginine 513.
Molecular consequence: frameshift variant.
Genome position (GRCh38, 1-based): chr20:18,543,022-18,543,043, GGCAGATGTACAGAGTCAGCTC duplicated. VCF-style (leftmost placement, unchanged base first): chr20-18543021-G-GGGCAGATGTACAGAGTCAGCTC. GRCh37 (hg19) VCF-style: chr20-18523665-G-GGGCAGATGTACAGAGTCAGCTC.
Other names: c.1515_1536dup, p.Arg513fs (NM_001172745.3, NM_032985.6, NM_032986.5); c.1461_1482dup, p.Arg495fs (NM_001172746.3); short protein forms R495fs, R513fs.
Identifiers: ClinVar variation 3754937 (VCV003754937.2).